The following is an entry in ClinVar:

NM_032043.3(BRIP1):c.791G>C (p.Arg264Pro)

Gene: BRIP1 (BRCA1 interacting DNA helicase 1; minus strand). Cytogenetic location: 17q23.2.
Variant type: single nucleotide variant.
Coding change: c.791G>C on transcript NM_032043.3 (MANE Select); coding-DNA position 791, G replaced by C.
Protein change: p.Arg264Pro; replaces arginine 264 with proline.
Molecular consequence: missense variant.
Genome position (GRCh38, 1-based): chr17:61,808,594, C>G on the plus strand (G>C on the coding strand, the complement: BRIP1 is on the minus strand). VCF-style: chr17-61808594-C-G. GRCh37 (hg19) VCF-style: chr17-59885955-C-G.
Other names: short protein forms R264P.
Identifiers: ClinVar variation 4631179 (VCV004631179.1).

ClinVar aggregate classification (germline): Uncertain significance (1 of 4 stars; one submission).

Conditions:
Hereditary cancer-predisposing syndrome. Also called: Neoplastic Syndromes, Hereditary; Tumor predisposition; Hereditary Cancer Syndrome; Hereditary neoplastic syndrome. Identifiers: Orphanet 140162, MedGen C0027672, MeSH D009386, MONDO:0015356.

Submission:

Ambry Genetics
Classification: Uncertain significance for Hereditary cancer-predisposing syndrome. Last evaluated: 2025-12-09. Review status: criteria provided, single submitter. Criteria: Ambry Variant Classification Scheme 2023. Collection method: clinical testing. Allele origin: germline.
Comment: The p.R264P variant (also known as c.791G>C), located in coding exon 6 of the BRIP1 gene, results from a G to C substitution at nucleotide position 791. The arginine at codon 264 is replaced by proline, an amino acid with dissimilar properties. This amino acid position is not well conserved in available vertebrate species. In addition, the in silico prediction for this alteration is inconclusive. Based on the available evidence, the clinical significance of this variant remains unclear.